The following is an entry in ClinVar:

NM_000466.3(PEX1):c.272A>G (p.Gln91Arg)

Gene: PEX1 (peroxisomal biogenesis factor 1; minus strand). Cytogenetic location: 7q21.2.
Variant type: single nucleotide variant.
Coding change: c.272A>G on transcript NM_000466.3 (MANE Select); coding-DNA position 272, A replaced by G.
Protein change: p.Gln91Arg; replaces glutamine 91 with arginine.
Molecular consequence: missense variant. On other transcripts: 5 prime UTR variant (1).
Genome position (GRCh38, 1-based): chr7:92,522,103, T>C on the plus strand (A>G on the coding strand, the complement: PEX1 is on the minus strand). VCF-style: chr7-92522103-T-C. GRCh37 (hg19) VCF-style: chr7-92151417-T-C.
Other names: NC_000007.13:g.92151417T>C; c.272A>G, p.Gln91Arg (NM_001282677.2); c.-388A>G (NM_001282678.2); c.272A>G (NM_000466.2); short protein forms Q91R.
Identifiers: ClinVar variation 4340632 (VCV004340632.2).

ClinVar aggregate classification (germline): Uncertain significance (1 of 4 stars; one submission).

Conditions:
PEX1-related disorder. Also called: PEX1-related condition.

gnomAD v4.1: 9 of 1,613,970 alleles (0.00056%); highest among the groups gnomAD compares: Admixed American, 0.0017%; no homozygotes.

Submissions (2):

PreventionGenetics, part of Exact Sciences
Classification: Uncertain significance for PEX1-related condition. Last evaluated: 2025-11-25. Review status: criteria provided, single submitter. Criteria: ACMG Guidelines, 2015. Collection method: clinical testing. Allele origin: germline.
Comment: The PEX1 c.272A>G variant is predicted to result in the amino acid substitution p.Gln91Arg. To our knowledge, this variant has not been reported in the literature. This variant is reported in 0.0039% of alleles in individuals of European (Non-Finnish) descent in gnomAD. At this time, the clinical significance of this variant is uncertain due to the absence of conclusive functional and genetic evidence.

Dr. Peter K. Rogan Lab, Western University
No classification provided (evidence only). Condition: Glioma susceptibility 1. Review status: no classification provided. Collection method: in vitro. Allele origin: not applicable. Functional consequence: retained intron. Not counted in ClinVar's aggregate classification.